The following is an entry in ClinVar:

NM_003816.3(ADAM9):c.1087T>A (p.Cys363Ser)

Gene: ADAM9 (ADAM metallopeptidase domain 9; plus strand). Cytogenetic location: 8p11.22.
Variant type: single nucleotide variant.
Coding change: c.1087T>A on transcript NM_003816.3 (MANE Select); coding-DNA position 1087, T replaced by A.
Protein change: p.Cys363Ser; replaces cysteine 363 with serine.
Molecular consequence: missense variant. On other transcripts: non-coding transcript variant (3).
Genome position (GRCh38, 1-based): chr8:39,026,767, T>A. VCF-style: chr8-39026767-T-A. GRCh37 (hg19) VCF-style: chr8-38884286-T-A.
Other names: short protein forms C363S.
Identifiers: ClinVar variation 812213 (VCV000812213.5), dbSNP rs1588350497, ClinGen allele CA370754760.

ClinVar aggregate classification (germline): Uncertain significance. Review status: criteria provided, single submitter (1 of 4 stars). 2 submissions from 2 submitters: Uncertain significance (1). 1 of the submissions does not count toward it. Last evaluated 2022-08-21.

Conditions:
Retinitis pigmentosa (RP). Identifiers: Orphanet 791, MedGen C0035334, MeSH D012174, MONDO:0019200, OMIM 268000. Inheritance: Autosomal dominant, autosomal recessive and X linked inheritance.

Allele frequency attached by ClinVar (database versions not stated): TOPMed below 0.00001.

Submissions (2):

Labcorp Genetics (formerly Invitae), Labcorp
Classification: Uncertain significance. Last evaluated: 2022-08-21. Review status: criteria provided, single submitter. Criteria: Invitae Variant Classification Sherloc (09022015). Collection method: clinical testing. Allele origin: germline.
Comment: ClinVar contains an entry for this variant (Variation ID: 812213). In summary, the available evidence is currently insufficient to determine the role of this variant in disease. Therefore, it has been classified as a Variant of Uncertain Significance. Algorithms developed to predict the effect of missense changes on protein structure and function are either unavailable or do not agree on the potential impact of this missense change (SIFT: "Deleterious"; PolyPhen-2: "Probably Damaging"; Align-GVGD: "Class C0"). This missense change has been observed in individual(s) with clinical features of ADAM9-related conditions (PMID: 26261414, 31456290). This variant is not present in population databases (gnomAD no frequency). This sequence change replaces cysteine, which is neutral and slightly polar, with serine, which is neutral and polar, at codon 363 of the ADAM9 protein (p.Cys363Ser).

Sharon lab, Hadassah-Hebrew University Medical Center
Classification: Pathogenic for Retinitis pigmentosa. Last evaluated: 2019-06-23. Review status: no assertion criteria provided. Collection method: research. Allele origin: inherited. Affected: yes. Not counted in ClinVar's aggregate classification.

Literature cited by the submitters: PubMed 26261414 (cited by Labcorp Genetics (formerly Invitae), Labcorp); PubMed 31456290 (cited by Labcorp Genetics (formerly Invitae), Labcorp).